The following is an entry in ClinVar:

NM_000158.4(GBE1):c.1375G>A (p.Asp459Asn)

Gene: GBE1 (1,4-alpha-glucan branching enzyme 1; minus strand). Cytogenetic location: 3p12.2.
Variant type: single nucleotide variant.
Coding change: c.1375G>A on transcript NM_000158.4 (MANE Select); coding-DNA position 1375, G replaced by A.
Protein change: p.Asp459Asn; replaces aspartic acid 459 with asparagine.
Molecular consequence: missense variant.
Genome position (GRCh38, 1-based): chr3:81,581,236, C>T on the plus strand (G>A on the coding strand, the complement: GBE1 is on the minus strand). VCF-style: chr3-81581236-C-T. GRCh37 (hg19) VCF-style: chr3-81630387-C-T.
Other names: short protein forms D459N.
Identifiers: ClinVar variation 962436 (VCV000962436.1), dbSNP rs752100789, ClinGen allele CA2499685.

ClinVar aggregate classification (germline): Uncertain significance (1 of 4 stars; one submission).

Conditions:
Glycogen storage disease, type IV (GSD4). Also called: Glycogen storage disease due to glycogen branching enzyme deficiency; AMYLOPECTINOSIS; ANDERSEN DISEASE; BRANCHER DEFICIENCY; CIRRHOSIS, FAMILIAL, WITH DEPOSITION OF ABNORMAL GLYCOGEN; GBE1 DEFICIENCY. Identifiers: Orphanet 367, MedGen C0017923, MONDO:0009292, OMIM 232500.
Glycogen storage disease IV, classic hepatic. Also called: GSD IV, CLASSIC HEPATIC. Identifiers: MedGen C1856301.

Allele frequency attached by ClinVar (database versions not stated): TOPMed 0.00002.
gnomAD v4.1: 15 of 1,601,018 alleles (0.00094%); highest among the groups gnomAD compares: Middle Eastern, 0.033%; no homozygotes.

Submission:

Labcorp Genetics (formerly Invitae), Labcorp
Classification: Uncertain significance for Glycogen storage disease, type IV; Glycogen storage disease IV, classic hepatic. Last evaluated: 2019-10-07. Review status: criteria provided, single submitter. Criteria: Invitae Variant Classification Sherloc (09022015). Collection method: clinical testing. Allele origin: germline.
Comment: This sequence change replaces aspartic acid with asparagine at codon 459 of the GBE1 protein (p.Asp459Asn). The aspartic acid residue is weakly conserved and there is a small physicochemical difference between aspartic acid and asparagine. This variant is present in population databases (rs752100789, ExAC 0.003%). This variant has not been reported in the literature in individuals with GBE1-related conditions. Algorithms developed to predict the effect of missense changes on protein structure and function output the following: SIFT: "Not Available"; PolyPhen-2: "Benign"; Align-GVGD: "Not Available". The asparagine amino acid residue is found in multiple mammalian species, suggesting that this missense change does not adversely affect protein function. These predictions have not been confirmed by published functional studies and their clinical significance is uncertain. In summary, the available evidence is currently insufficient to determine the role of this variant in disease. Therefore, it has been classified as a Variant of Uncertain Significance.